The following is an entry in ClinVar:

NM_004239.4(TRIP11):c.*430A>G

Gene: TRIP11 (thyroid hormone receptor interactor 11; minus strand). Cytogenetic location: 14q32.12.
Variant type: single nucleotide variant.
Coding change: c.*430A>G on transcript NM_004239.4 (MANE Select); 430 bases downstream of the stop codon, A replaced by G.
Molecular consequence: 3 prime UTR variant.
Genome position (GRCh38, 1-based): chr14:91,969,243, T>C on the plus strand (A>G on the coding strand, the complement: TRIP11 is on the minus strand). VCF-style: chr14-91969243-T-C. GRCh37 (hg19) VCF-style: chr14-92435587-T-C.
Other names: c.*430A>G (NM_001321851.1).
Identifiers: ClinVar variation 314911 (VCV000314911.6), dbSNP rs12587248, ClinGen allele CA10646574.

ClinVar aggregate classification (germline): Benign. Review status: criteria provided, multiple submitters, no conflicts (2 of 4 stars). 2 submissions from 2 submitters: Benign (2). Last evaluated 2018-01-12.

Conditions:
Achondrogenesis, type IA (ACG1A). Identifiers: Orphanet 932, Orphanet 93299, MedGen C0265273, MONDO:0008701, OMIM 200600.

Allele frequency attached by ClinVar (database versions not stated): gnomAD exomes 0.32273; TOPMed 0.32788; 1000 Genomes Project 30x 0.33104; 1000 Genomes Project 0.33347; gnomAD 0.33383 and 0.33494.

Submissions (2):

Illumina Laboratory Services, Illumina
Classification: Benign for Achondrogenesis, type IA. Last evaluated: 2018-01-12. Review status: criteria provided, single submitter. Criteria: ICSL Variant Classification Criteria 13 December 2019. Collection method: clinical testing. Allele origin: germline.
Comment: This variant was observed in the ICSL laboratory as part of a predisposition screen in an ostensibly healthy population. It had not been previously curated by ICSL or reported in the Human Gene Mutation Database (HGMD: prior to June 1st, 2018), and was therefore a candidate for classification through an automated scoring system. Utilizing variant allele frequency, disease prevalence and penetrance estimates, and inheritance mode, an automated score was calculated to assess if this variant is too frequent to cause the disease. Based on the score and internal cut-off values, a variant classified as benign is not then subjected to further curation. The score for this variant resulted in a classification of benign for this disease.

Breakthrough Genomics
Classification: Benign. Review status: criteria provided, single submitter. Criteria: ACMG Guidelines, 2015. Collection method: not provided. Allele origin: germline. Inheritance: Autosomal recessive inheritance. Affected: yes.